The following is an entry in ClinVar:

NM_005573.4(LMNB1):c.359+7G>A

Genes: LMNB1 (lamin B1; plus strand), LOC129994507 (ATAC-STARR-seq lymphoblastoid silent region 16287; plus strand). Cytogenetic location: 5q23.2.
Variant type: single nucleotide variant.
Coding change: c.359+7G>A on transcript NM_005573.4 (MANE Select); 7 bases into the intron after coding-DNA position 359, G replaced by A.
Molecular consequence: intron variant.
Genome position (GRCh38, 1-based): chr5:126,777,874, G>A. VCF-style: chr5-126777874-G-A. GRCh37 (hg19) VCF-style: chr5-126113566-G-A.
Other names: c.-272+630G>A (NM_001198557.2).
Identifiers: ClinVar variation 747572 (VCV000747572.6), dbSNP rs1230042682, ClinGen allele CA562237763.
Genomic context (GRCh38, chr5:126,777,874, plus strand): 5'-GCTGCAGATCGAGCTGGGCAAGTGCAAGGCGGAACACGACCAGCTGCTCCTCAAGTGAGT[G>A]CTAGCTGGCGGCCGCGTTAGCGCCAAGGAGGGGCGGGGGCGCAACCGCGGCGACCAGCTC-3'

ClinVar aggregate classification (germline): Likely benign. Review status: criteria provided, multiple submitters, no conflicts (2 of 4 stars). 3 submissions from 3 submitters: Likely benign (2). 1 of the submissions does not count toward it. Last evaluated 2024-10-30.

Conditions:
LMNB1-related disorder. Also called: LMNB1-Related Disorders; LMNB1-related condition.

Allele frequency attached by ClinVar (database versions not stated): gnomAD exomes below 0.00001; TOPMed below 0.00001; gnomAD 0.00001.
gnomAD v4.1: 4 of 1,389,992 alleles (0.00029%); highest among the groups gnomAD compares: Admixed American, 0.0064%; no homozygotes.

Submissions (3):

Blueprint Genetics
Classification: Likely benign. Last evaluated: 2024-10-30. Review status: criteria provided, single submitter. Criteria: ACMG Guidelines, 2015. Collection method: clinical testing. Allele origin: germline.

Labcorp Genetics (formerly Invitae), Labcorp
Classification: Likely benign. Last evaluated: 2018-05-02. Review status: criteria provided, single submitter. Criteria: Invitae Variant Classification Sherloc (09022015). Collection method: clinical testing. Allele origin: germline.

PreventionGenetics, part of Exact Sciences
Classification: Likely benign for LMNB1-related condition. Last evaluated: 2019-04-29. Review status: no assertion criteria provided. Collection method: clinical testing. Allele origin: germline. Not counted in ClinVar's aggregate classification.
Comment: This variant is classified as likely benign based on ACMG/AMP sequence variant interpretation guidelines (Richards et al. 2015 PMID: 25741868, with internal and published modifications).